The following is an entry in ClinVar:

NM_007118.4(TRIO):c.4716+5G>A

Gene: TRIO (trio Rho guanine nucleotide exchange factor; plus strand). Cytogenetic location: 5p15.2.
Variant type: single nucleotide variant.
Coding change: c.4716+5G>A on transcript NM_007118.4 (MANE Select); 5 bases into the intron after coding-DNA position 4716, G replaced by A.
Molecular consequence: intron variant.
Genome position (GRCh38, 1-based): chr5:14,401,069, G>A. VCF-style: chr5-14401069-G-A. GRCh37 (hg19) VCF-style: chr5-14401178-G-A.
Identifiers: ClinVar variation 2428888 (VCV002428888.4), dbSNP rs2532981233, ClinGen allele CA2580072148.

ClinVar aggregate classification (germline): Uncertain significance (1 of 4 stars; one submission).

Submission:

GeneDx
Classification: Uncertain significance. Last evaluated: 2026-08-11. Review status: criteria provided, single submitter. Criteria: GeneDx Variant Classification Process June 2021. Collection method: clinical testing. Allele origin: germline.
Comment: Not observed at significant frequency in large population cohorts (gnomAD); In silico analysis supports a deleterious effect on splicing; Has not been previously published as pathogenic or benign to our knowledge